The following is an entry in ClinVar:

ClinVar aggregate classification (germline): Benign/Likely benign. Review status: criteria provided, multiple submitters, no conflicts (2 of 4 stars). 3 submissions from 3 submitters: Benign (1); Likely benign (2). Last evaluated 2024-06-12.

Conditions:
Hereditary cancer-predisposing syndrome. Also called: Neoplastic Syndromes, Hereditary; Hereditary Cancer Syndrome; Tumor predisposition; Hereditary neoplastic syndrome. Identifiers: Orphanet 140162, MedGen C0027672, MeSH D009386, MONDO:0015356.
Ataxia-telangiectasia syndrome (AT). Also called: LOUIS-BAR SYNDROME; Cerebello-oculocutaneous telangiectasia; Immunodeficiency with ataxia telangiectasia; Ataxia-telangiectasia, complementation group D; AT, COMPLEMENTATION GROUP C; Ataxia-telangiectasia, complementation group E. Identifiers: Orphanet 100, MedGen C0004135, MONDO:0008840, OMIM 208900.
Familial cancer of breast. Also called: Hereditary breast cancer; BREAST CANCER, FAMILIAL; hereditary breast carcinoma. Identifiers: Orphanet 227535, MedGen C0346153, MONDO:0016419, OMIM 114480. Disease mechanism: loss of function.

Submissions (3):

Myriad Genetics, Inc.
Classification: Benign for Familial cancer of breast. Last evaluated: 2024-06-12. Review status: criteria provided, single submitter. Criteria: Myriad Autosomal Dominant, Autosomal Recessive and X-Linked Classification Criteria (2023). Collection method: clinical testing. Allele origin: unknown.
Comment: This variant is considered benign. This variant is a silent/synonymous amino acid change and it is not expected to impact splicing.

Labcorp Genetics (formerly Invitae), Labcorp
Classification: Likely benign for Ataxia-telangiectasia syndrome. Last evaluated: 2023-02-14. Review status: criteria provided, single submitter. Criteria: Invitae Variant Classification Sherloc (09022015). Collection method: clinical testing. Allele origin: germline.

Ambry Genetics
Classification: Likely benign for Hereditary cancer-predisposing syndrome. Last evaluated: 2016-05-26. Review status: criteria provided, single submitter. Criteria: Ambry Variant Classification Scheme 2023. Collection method: clinical testing. Allele origin: germline.

NM_000051.4(ATM):c.7050A>G (p.Leu2350=)

Genes: ATM (ATM serine/threonine kinase; plus strand), C11orf65 (chromosome 11 open reading frame 65; minus strand). Cytogenetic location: 11q22.3.
Variant type: single nucleotide variant.
Coding change: c.7050A>G on transcript NM_000051.4 (MANE Select); coding-DNA position 7050, A replaced by G.
Protein change: p.Leu2350=; no amino-acid change (leucine 2350 retained).
Molecular consequence: synonymous variant. On other transcripts: intron variant (2).
Genome position (GRCh38, 1-based): chr11:108,327,719, A>G. VCF-style: chr11-108327719-A-G. GRCh37 (hg19) VCF-style: chr11-108198446-A-G.
Other names: c.7050A>G, p.Leu2350= (NM_001351834.2); c.641-18648T>C (NM_001330368.2); c.*38+7501T>C (NM_001351110.2).
Identifiers: ClinVar variation 478992 (VCV000478992.11), dbSNP rs1555121076, ClinGen allele CA476676479.
Genomic context (GRCh38, chr11:108,327,719, plus strand): 5'-AAAACTTACATACACAGAATGTCTGAGGGTTTGTGGCAACTGGTTAGCAGAAACGTGCTT[A>G]GAAAATCCTGCGGTCATCATGCAGACCTATCTAGAAAAGGTAAGATTTTTGGAGCAACCC-3'
Protein context (NP_000042.3, residues 2340-2360): VCGNWLAETC[Leu2350=]ENPAVIMQTY